The following is an entry in ClinVar:

ClinVar aggregate classification (germline): Uncertain significance (1 of 4 stars; one submission).

Conditions:
Developmental and epileptic encephalopathy, 21 (DEE21). Also called: Early infantile epileptic encephalopathy 21. Identifiers: Orphanet 442835, MedGen C4014430, MONDO:0014360, OMIM 615833.

Submission:

Labcorp Genetics (formerly Invitae), Labcorp
Classification: Uncertain significance for Developmental and epileptic encephalopathy, 21. Last evaluated: 2022-05-08. Review status: criteria provided, single submitter. Criteria: Invitae Variant Classification Sherloc (09022015). Collection method: clinical testing. Allele origin: germline.
Comment: This sequence change replaces glycine, which is neutral and non-polar, with aspartic acid, which is acidic and polar, at codon 79 of the NECAP1 protein (p.Gly79Asp). This variant is not present in population databases (gnomAD no frequency). This variant has not been reported in the literature in individuals affected with NECAP1-related conditions. Algorithms developed to predict the effect of missense changes on protein structure and function are either unavailable or do not agree on the potential impact of this missense change (SIFT: "Not Available"; PolyPhen-2: "Possibly Damaging"; Align-GVGD: "Not Available"). In summary, the available evidence is currently insufficient to determine the role of this variant in disease. Therefore, it has been classified as a Variant of Uncertain Significance.

NM_015509.4(NECAP1):c.236G>A (p.Gly79Asp)

Gene: NECAP1 (NECAP endocytosis associated 1; plus strand). Cytogenetic location: 12p13.31.
Variant type: single nucleotide variant.
Coding change: c.236G>A on transcript NM_015509.4 (MANE Select); coding-DNA position 236, G replaced by A.
Protein change: p.Gly79Asp; replaces glycine 79 with aspartic acid.
Molecular consequence: missense variant. On other transcripts: non-coding transcript variant (1).
Genome position (GRCh38, 1-based): chr12:8,090,234, G>A. VCF-style: chr12-8090234-G-A. GRCh37 (hg19) VCF-style: chr12-8242830-G-A.
Other names: short protein forms G79D.
Identifiers: ClinVar variation 2135629 (VCV002135629.2), dbSNP rs2498172595, ClinGen allele CA383797498.